The following is an entry in ClinVar:

ClinVar aggregate classification (germline): Uncertain significance (1 of 4 stars; one submission).

Submission:

Ambry Genetics
Classification: Uncertain significance. Last evaluated: 2024-08-22. Review status: criteria provided, single submitter. Criteria: Ambry Variant Classification Scheme 2023. Collection method: clinical testing. Allele origin: germline.
Comment: The p.L222F variant (also known as c.666G>T), located in coding exon 8 of the NPAT gene, results from a G to T substitution at nucleotide position 666. The leucine at codon 222 is replaced by phenylalanine, an amino acid with highly similar properties. This amino acid position is conserved. In addition, this alteration is predicted to be tolerated by in silico analysis. Based on the available evidence, the clinical significance of this variant remains unclear.

NM_002519.3(NPAT):c.666G>T (p.Leu222Phe)

Gene: NPAT (nuclear protein, coactivator of histone transcription; minus strand). Cytogenetic location: 11q22.3.
Variant type: single nucleotide variant.
Coding change: c.666G>T on transcript NM_002519.3 (MANE Select); coding-DNA position 666, G replaced by T.
Protein change: p.Leu222Phe; replaces leucine 222 with phenylalanine.
Molecular consequence: missense variant.
Genome position (GRCh38, 1-based): chr11:108,186,542, C>A on the plus strand (G>T on the coding strand, the complement: NPAT is on the minus strand). VCF-style: chr11-108186542-C-A. GRCh37 (hg19) VCF-style: chr11-108057269-C-A.
Other names: c.666G>T, p.Leu222Phe (NM_001321307.1); short protein forms L222F.
Identifiers: ClinVar variation 3407198 (VCV003407198.1).